The following is an entry in ClinVar:

ClinVar aggregate classification (germline): Likely benign. Review status: criteria provided, multiple submitters, no conflicts (2 of 4 stars). 4 submissions from 4 submitters: Likely benign (4). Last evaluated 2026-06-16.

Conditions:
Amyotrophic lateral sclerosis type 4 (ALS4). Also called: AMYOTROPHIC LATERAL SCLEROSIS 4, JUVENILE; NEURONOPATHY, DISTAL HEREDITARY MOTOR, WITH PYRAMIDAL FEATURES. Identifiers: Orphanet 357043, MedGen C1865409, MONDO:0011223, OMIM 602433.
Spinocerebellar ataxia, autosomal recessive, with axonal neuropathy 2 (SCAN2). Also called: Ataxia with Oculomotor Apraxia Type 2; ATAXIA-OCULOMOTOR APRAXIA 2; Ataxia with Oculomotor Apraxia; Ataxia-ocular apraxia-2. Identifiers: Orphanet 64753, MedGen C1853761, MONDO:0018996, OMIM 606002.
SETX-related disorder. Also called: SETX-related condition; SETX-related disorders. Identifiers: MedGen CN239403.

gnomAD v4.1: 21 of 1,614,120 alleles (0.0013%); highest among the groups gnomAD compares: East Asian, 0.045%; no homozygotes.

Submissions (4):

Women's Health and Genetics/Laboratory Corporation of America, LabCorp
Classification: Likely benign. Last evaluated: 2026-06-16. Review status: criteria provided, single submitter. Criteria: LabCorp Variant Classification Summary - May 2015. Collection method: clinical testing. Allele origin: germline.
Comment: Variant summary: SETX c.4233A>G results in a synonymous change. Consensus agreement among computation tools predict no significant impact on normal splicing. However, these predictions have yet to be confirmed by functional studies. The variant allele was found at a frequency of 6.4e-05 in 251378 control chromosomes, predominantly at a frequency of 0.00087 within the East Asian subpopulation in the gnomAD database. This frequency is not significantly higher than estimated for disease-causing variants in SETX, allowing no conclusion about variant significance. To our knowledge, no occurrence of c.4233A>G in individuals affected with SETX-related conditions and no experimental evidence demonstrating its impact on protein function have been reported. ClinVar contains an entry for this variant (Variation ID: 4794582). Based on the evidence outlined above, the variant was classified as likely benign.

Labcorp Genetics (formerly Invitae), Labcorp
Classification: Likely benign for Amyotrophic lateral sclerosis type 4; Spinocerebellar ataxia, autosomal recessive, with axonal neuropathy 2. Last evaluated: 2025-09-13. Review status: criteria provided, single submitter. Criteria: Invitae Variant Classification Sherloc (09022015). Collection method: clinical testing. Allele origin: germline.

PreventionGenetics, part of Exact Sciences
Classification: Likely benign for SETX-related condition. Last evaluated: 2025-07-02. Review status: criteria provided, single submitter. Criteria: ACMG Guidelines, 2015. Collection method: clinical testing. Allele origin: germline.
Comment: This variant is classified as likely benign based on ACMG/AMP sequence variant interpretation guidelines (Richards et al. 2015 PMID: 25741868, with internal and published modifications).

Blueprint Genetics
Classification: Likely benign. Last evaluated: 2021-06-29. Review status: criteria provided, single submitter. Criteria: ACMG Guidelines, 2015. Collection method: clinical testing. Allele origin: germline.

NM_015046.7(SETX):c.4233A>G (p.Lys1411=)

Gene: SETX (senataxin; minus strand). Cytogenetic location: 9q34.13.
Variant type: single nucleotide variant.
Coding change: c.4233A>G on transcript NM_015046.7 (MANE Select); coding-DNA position 4233, A replaced by G.
Protein change: p.Lys1411=; no amino-acid change (lysine 1411 retained).
Molecular consequence: synonymous variant.
Genome position (GRCh38, 1-based): chr9:132,327,365, T>C on the plus strand (A>G on the coding strand, the complement: SETX is on the minus strand). VCF-style: chr9-132327365-T-C. GRCh37 (hg19) VCF-style: chr9-135202752-T-C.
Other names: c.4233A>G, p.Lys1411= (NM_001351527.2, NM_001351528.2).
Identifiers: ClinVar variation 4794582 (VCV004794582.4).